The following is an entry in ClinVar:

NM_001371395.1(USP53):c.510del (p.Ser171fs)

Gene: USP53 (ubiquitin specific peptidase 53; plus strand). Cytogenetic location: 4q26.
Variant type: Deletion.
Coding change: c.510del on transcript NM_001371395.1 (MANE Select); coding-DNA position 510, one base deleted (A; older notation c.510delA).
Protein change: p.Ser171fs; shifts the reading frame from serine 171.
Molecular consequence: frameshift variant.
Genome position (GRCh38, 1-based): chr4:119,256,464, A deleted. VCF-style (leftmost placement, unchanged base first): chr4-119256463-CA-C. GRCh37 (hg19) VCF-style: chr4-120177618-CA-C.
Other names: c.510del, p.Ser171fs (NM_001371396.1, NM_001371397.1, NM_001371398.1 and 6 more transcripts); c.162del, p.Ser55fs (NM_001389662.1, NM_001389663.1, NM_001389664.1 and 3 more transcripts); short protein forms S171fs, S55fs.
Identifiers: ClinVar variation 1328233 (VCV001328233.2), dbSNP rs2149374086, ClinGen allele CA440889976.

ClinVar aggregate classification (germline): Pathogenic. Review status: criteria provided, single submitter (1 of 4 stars). 2 submissions from 2 submitters: Pathogenic (1). 1 of the submissions does not count toward it. Last evaluated 2022-05-22.

Conditions:
Cholestasis, progressive familial intrahepatic, 7, with or without hearing loss. Identifiers: MedGen C5562043, MONDO:0030503, OMIM 619658.

Submissions (2):

3billion
Classification: Pathogenic for Cholestasis, progressive familial intrahepatic, 7, with or without hearing loss. Last evaluated: 2022-05-22. Review status: criteria provided, single submitter. Criteria: ACMG Guidelines, 2015. Collection method: clinical testing. Allele origin: germline. Affected: yes. Observed: 1 homozygote.
Comment: The variant is not observed in the gnomAD v2.1.1 dataset. Frameshift: predicted to result in a loss or disruption of normal protein function through nonsense-mediated decay (NMD) or protein truncation. Multiple pathogenic variants are reported downstream of the variant. The variant has been reported to be associated with USP53 related disorder (ClinVar ID: VCV001328233). Therefore, this variant is classified as pathogenic according to the recommendation of ACMG/AMP guideline.

OMIM
Classification: Pathogenic for CHOLESTASIS, PROGRESSIVE FAMILIAL INTRAHEPATIC, 7, WITHOUT HEARING LOSS. Last evaluated: 2021-12-15. Review status: no assertion criteria provided. Collection method: literature only. Allele origin: germline. Not counted in ClinVar's aggregate classification.

Literature cited by the submitters: PubMed 33075013 (cited by OMIM).